The following is an entry in ClinVar:

NM_017763.6(RNF43):c.599_600dup (p.Ile201fs)

Gene: RNF43 (ring finger protein 43; minus strand). Cytogenetic location: 17q22.
Variant type: Duplication.
Coding change: c.599_600dup on transcript NM_017763.6 (MANE Select); coding-DNA positions 599 to 600, 2 bases duplicated (GG; older notation c.599_600dupGG).
Protein change: p.Ile201fs; shifts the reading frame from isoleucine 201.
Molecular consequence: frameshift variant.
Genome position (GRCh38, 1-based): chr17:58,362,631-58,362,632, CC duplicated on the plus strand (GG on the coding strand, the reverse complement: RNF43 is on the minus strand). VCF-style (leftmost placement, unchanged base first): chr17-58362630-T-TCC. GRCh37 (hg19) VCF-style: chr17-56439991-T-TCC.
Other names: c.599_600dup, p.Ile201Glyfs (NM_001305544.3); c.218_219dup, p.Ile74Glyfs (NM_001305545.2); short protein forms I201fs, I74fs.
Identifiers: ClinVar variation 2002972 (VCV002002972.4), dbSNP rs2509363918, ClinGen allele CA2580094290.
Genomic context (GRCh38, chr17:58,362,630, plus strand): 5'-GGATGCGCAGCACCGAAGCCAGGATGATCACAAAGATGGTGCCCACCACTGTCATTAGGA[T>TCC]CCACACATCATAATCTGGCTGGGGAGTGAGCAGAGAGGGAAAGGGTCATACTTCCGGGAT-3'

ClinVar aggregate classification (germline): Uncertain significance (1 of 4 stars; one submission).

Submission:

Labcorp Genetics (formerly Invitae), Labcorp
Classification: Uncertain significance. Last evaluated: 2025-10-01. Review status: criteria provided, single submitter. Criteria: Invitae Variant Classification Sherloc (09022015). Collection method: clinical testing. Allele origin: germline.
Comment: This sequence change creates a premature translational stop signal (p.Ile201Glyfs*3) in the RNF43 gene. It is expected to result in an absent or disrupted protein product. However, the current clinical and genetic evidence is not sufficient to establish whether loss-of-function variants in RNF43 cause disease. This variant is not present in population databases (gnomAD no frequency). This variant has not been reported in the literature in individuals affected with RNF43-related conditions. ClinVar contains an entry for this variant (Variation ID: 2002972). Experimental studies and prediction algorithms are not available or were not evaluated, and the functional significance of this variant is currently unknown. In summary, the available evidence is currently insufficient to determine the role of this variant in disease. Therefore, it has been classified as a Variant of Uncertain Significance.